The following is an entry in ClinVar:

NM_000719.7(CACNA1C):c.467A>G (p.Asn156Ser)

Gene: CACNA1C (calcium voltage-gated channel subunit alpha1 C; plus strand). Cytogenetic location: 12p13.33.
Variant type: single nucleotide variant.
Coding change: c.467A>G on transcript NM_000719.7 (MANE Select); coding-DNA position 467, A replaced by G.
Protein change: p.Asn156Ser; replaces asparagine 156 with serine.
Molecular consequence: missense variant.
Genome position (GRCh38, 1-based): chr12:2,120,420, A>G. VCF-style: chr12-2120420-A-G. GRCh37 (hg19) VCF-style: chr12-2229586-A-G.
Other names: c.467A>G, p.Asn156Ser (NM_001129827.2, NM_001129829.2, NM_001129830.3 and 19 more transcripts); short protein forms N156S.
Identifiers: ClinVar variation 2006020 (VCV002006020.5), dbSNP rs2547775565, ClinGen allele CA383653857.

ClinVar aggregate classification (germline): Uncertain significance. Review status: criteria provided, multiple submitters, no conflicts (2 of 4 stars). 2 submissions from 2 submitters: Uncertain significance (2). Last evaluated 2026-03-15.

Conditions:
Cardiovascular phenotype. Identifiers: MedGen CN230736.
Long QT syndrome (LQTS). Identifiers: MedGen C0023976, MeSH D008133, MONDO:0002442. Disease mechanism: loss of function. Inheritance: Various modes of inheritance.

Submissions (2):

Ambry Genetics
Classification: Uncertain significance for Cardiovascular phenotype. Last evaluated: 2026-03-15. Review status: criteria provided, single submitter. Criteria: Ambry Variant Classification Scheme 2023. Collection method: clinical testing. Allele origin: germline.
Comment: The p.N156S variant (also known as c.467A>G), located in coding exon 3 of the CACNA1C gene, results from an A to G substitution at nucleotide position 467. The asparagine at codon 156 is replaced by serine, an amino acid with highly similar properties. This amino acid position is conserved. In addition, the in silico prediction for this alteration is inconclusive. Based on the available evidence, the clinical significance of this variant remains unclear.

Labcorp Genetics (formerly Invitae), Labcorp
Classification: Uncertain significance for Long QT syndrome. Last evaluated: 2022-06-17. Review status: criteria provided, single submitter. Criteria: Invitae Variant Classification Sherloc (09022015). Collection method: clinical testing. Allele origin: germline.
Comment: This sequence change replaces asparagine, which is neutral and polar, with serine, which is neutral and polar, at codon 156 of the CACNA1C protein (p.Asn156Ser). This variant is not present in population databases (gnomAD no frequency). This variant has not been reported in the literature in individuals affected with CACNA1C-related conditions. Algorithms developed to predict the effect of missense changes on protein structure and function are either unavailable or do not agree on the potential impact of this missense change (SIFT: "Deleterious"; PolyPhen-2: "Benign"; Align-GVGD: "Class C0"). In summary, the available evidence is currently insufficient to determine the role of this variant in disease. Therefore, it has been classified as a Variant of Uncertain Significance.